The following is an entry in ClinVar:

ClinVar aggregate classification (germline): Uncertain significance (1 of 4 stars; one submission).

Submission:

Ambry Genetics
Classification: Uncertain significance. Last evaluated: 2025-12-10. Review status: criteria provided, single submitter. Criteria: Ambry Variant Classification Scheme 2023. Collection method: clinical testing. Allele origin: germline.
Comment: The p.K466R variant (also known as c.1397A>G), located in coding exon 12 of the GEN1 gene, results from an A to G substitution at nucleotide position 1397. The lysine at codon 466 is replaced by arginine, an amino acid with highly similar properties. This amino acid position is conserved. In addition, this alteration is predicted to be tolerated by in silico analysis. Based on the available evidence, the clinical significance of this variant remains unclear.

NM_001130009.3(GEN1):c.1397A>G (p.Lys466Arg)

Gene: GEN1 (GEN1 structure-specific endonuclease; plus strand). Cytogenetic location: 2p24.2.
Variant type: single nucleotide variant.
Coding change: c.1397A>G on transcript NM_001130009.3 (MANE Select); coding-DNA position 1397, A replaced by G.
Protein change: p.Lys466Arg; replaces lysine 466 with arginine.
Molecular consequence: missense variant.
Genome position (GRCh38, 1-based): chr2:17,780,110, A>G. VCF-style: chr2-17780110-A-G. GRCh37 (hg19) VCF-style: chr2-17961377-A-G.
Other names: c.1397A>G, p.Lys466Arg (NM_182625.5); short protein forms K466R.
Identifiers: ClinVar variation 4671526 (VCV004671526.1).
Genomic context (GRCh38, chr2:17,780,110, plus strand): 5'-AAGCAGCATATCCTGAGATCGTTGCTGTTTACCAAAAACAAAAGTTAGAAATTAAAGGGA[A>G]GAAACAAAAACGTAAGTTTTGGGTTTGATAGCTATTTATGCCACATGCAAATGTTATAGA-3'
Protein context (NP_001123481.3, residues 456-476): YQKQKLEIKG[Lys466Arg]KQKRIKPKEN